The following is an entry in ClinVar:

ClinVar aggregate classification (germline): Uncertain significance (1 of 4 stars; one submission).

Conditions:
Mitochondrial DNA depletion syndrome 13. Also called: FBXL4-Related Encephalomyopathic Mitochondrial DNA Depletion Syndrome; Mitochondrial DNA depletion syndrome 13 (encephalomyopathic type). Identifiers: Orphanet 369897, MedGen C3809592, MONDO:0014198, OMIM 615471.

Allele frequency attached by ClinVar (database versions not stated): ExAC 0.00001; TOPMed 0.00001; gnomAD exomes 0.00002; gnomAD 0.00003 and 0.00004; ESP Exome Variant Server 0.00015.
gnomAD v4.1: 40 of 1,612,520 alleles (0.0025%); highest among the groups gnomAD compares: Non-Finnish European, 0.0031%; no homozygotes.

Submission:

Wong Mito Lab, Molecular and Human Genetics, Baylor College of Medicine
Classification: Uncertain significance for Mitochondrial DNA depletion syndrome 13. Last evaluated: 2017-08-10. Review status: criteria provided, single submitter. Criteria: ACMG Guidelines, 2015. Collection method: reference population. Allele origin: germline.
Comment: The NM_012160.4:c.1103+12G>A (NP_036292.2:p.=) [GRCH38: NC_000006.12:g.98905414C>T] variant in FBXL4 gene is interpretated to be a Uncertain Significance - Insufficient Evidence based on ACMG guidelines (PMID: 25741868). This variant meets one or more of the following evidence codes reported in the ACMG-guideline. PM2:This variant is absent in key population databases. Based on this evidence code ClinGen Pathogenicity Calculator (PMID:28081714) suggested that the variant is Uncertain Significance - Insufficient Evidence.

NM_001278716.2(FBXL4):c.1103+12G>A

Gene: FBXL4 (F-box and leucine rich repeat protein 4; minus strand). Cytogenetic location: 6q16.2.
Variant type: single nucleotide variant.
Coding change: c.1103+12G>A on transcript NM_001278716.2 (MANE Select); 12 bases into the intron after coding-DNA position 1103, G replaced by A.
Molecular consequence: intron variant.
Genome position (GRCh38, 1-based): chr6:98,905,414, C>T on the plus strand (G>A on the coding strand, the complement: FBXL4 is on the minus strand). VCF-style: chr6-98905414-C-T. GRCh37 (hg19) VCF-style: chr6-99353290-C-T.
Other names: c.1103+12G>A (NM_012160.5).
Identifiers: ClinVar variation 437689 (VCV000437689.1), dbSNP rs374114762, ClinGen allele CA3933548.
Genomic context (GRCh38, chr6:98,905,414, plus strand): 5'-TGAAAACCACTACATAATAAGTATAACCTGCTGCTGGGGGGGAAAAAAACTTCATCAAGG[C>T]TTTGTACTAACCTGCTAAATCCTGCAACAGAGATGAAGCCTCTATTGCCAGTCCAAGATA-3'